The following is an entry in ClinVar:

ClinVar aggregate classification (germline): Uncertain significance (1 of 4 stars; one submission).

Conditions:
Developmental and epileptic encephalopathy, 42 (DEE42A). Also called: DEVELOPMENTAL AND EPILEPTIC ENCEPHALOPATHY 42A; EPILEPTIC ENCEPHALOPATHY, EARLY INFANTILE, 42A; Epileptic encephalopathy, early infantile, 42. Identifiers: MedGen C4310716, MONDO:0014917, OMIM 617106.
Episodic ataxia type 2 (EA2). Also called: ACETAZOLAMIDE-RESPONSIVE HEREDITARY PAROXYSMAL CEREBELLAR ATAXIA; ATAXIA, EPISODIC, WITH NYSTAGMUS; ATAXIA, FAMILIAL PAROXYSMAL; CEREBELLAR ATAXIA, PAROXYSMAL, ACETAZOLAMIDE-RESPONSIVE; CEREBELLOPATHY, HEREDITARY PAROXYSMAL; EPISODIC ATAXIA, NYSTAGMUS-ASSOCIATED. Identifiers: Orphanet 97, MedGen C1720416, MONDO:0007163, OMIM 108500.

Allele frequency attached by ClinVar (database versions not stated): gnomAD exomes below 0.00001.

Submission:

Labcorp Genetics (formerly Invitae), Labcorp
Classification: Uncertain significance for Developmental and epileptic encephalopathy, 42; Episodic ataxia type 2. Last evaluated: 2024-01-09. Review status: criteria provided, single submitter. Criteria: Invitae Variant Classification Sherloc (09022015). Collection method: clinical testing. Allele origin: germline.
Comment: This sequence change replaces methionine, which is neutral and non-polar, with isoleucine, which is neutral and non-polar, at codon 1573 of the CACNA1A protein (p.Met1573Ile). This variant is not present in population databases (gnomAD no frequency). This variant has not been reported in the literature in individuals affected with CACNA1A-related conditions. Advanced modeling of protein sequence and biophysical properties (such as structural, functional, and spatial information, amino acid conservation, physicochemical variation, residue mobility, and thermodynamic stability) performed at Invitae indicates that this missense variant is expected to disrupt CACNA1A protein function with a positive predictive value of 95%. In summary, the available evidence is currently insufficient to determine the role of this variant in disease. Therefore, it has been classified as a Variant of Uncertain Significance.

NM_001127222.2(CACNA1A):c.4716G>A (p.Met1572Ile)

Gene: CACNA1A (calcium voltage-gated channel subunit alpha1 A; minus strand). Cytogenetic location: 19p13.13.
Variant type: single nucleotide variant.
Coding change: c.4716G>A on transcript NM_001127222.2 (MANE Select); coding-DNA position 4716, G replaced by A.
Protein change: p.Met1572Ile; replaces methionine 1572 with isoleucine.
Molecular consequence: missense variant.
Genome position (GRCh38, 1-based): chr19:13,255,134, C>T on the plus strand (G>A on the coding strand, the complement: CACNA1A is on the minus strand). VCF-style: chr19-13255134-C-T. GRCh37 (hg19) VCF-style: chr19-13365948-C-T.
Other names: c.4728G>A, p.Met1576Ile (NM_000068.4, NM_023035.3); c.4719G>A, p.Met1573Ile (NM_001127221.2, NM_001174080.2); short protein forms M1572I, M1573I, M1576I.
Identifiers: ClinVar variation 2921718 (VCV002921718.3), dbSNP rs2512728400, ClinGen allele CA404338402.
Genomic context (GRCh38, chr19:13,255,134, plus strand): 5'-GGGCTGGTGTGGGGCACTTACCTTCATCATAAGCACGATGGTGTTGAGGGCGATCATGGC[C>T]ATGATCGTGTACTCGAAAGGCGGAGACACCACGAACTGCCACATGCGGTACTGGAAGCTC-3'
Protein context (NP_001120694.1, residues 1562-1582): VVSPPFEYTI[Met1572Ile]AMIALNTIVL